The following is an entry in ClinVar:

ClinVar aggregate classification (germline): Uncertain significance (1 of 4 stars; one submission).

Conditions:
Charcot-Marie-Tooth disease type 4. Also called: Charcot-Marie-Tooth disease, type IV; Charcot-Marie-Tooth, Type 4. Identifiers: Orphanet 64749, MedGen C4082197, MONDO:0018995.

Allele frequency attached by ClinVar (database versions not stated): gnomAD exomes below 0.00001; ExAC 0.00001; gnomAD 0.00001.
gnomAD v4.1: 6 of 1,614,036 alleles (0.00037%); highest among the groups gnomAD compares: Non-Finnish European, 0.00051%; no homozygotes.

Submission:

Labcorp Genetics (formerly Invitae), Labcorp
Classification: Uncertain significance for Charcot-Marie-Tooth disease type 4. Last evaluated: 2021-09-02. Review status: criteria provided, single submitter. Criteria: Invitae Variant Classification Sherloc (09022015). Collection method: clinical testing. Allele origin: germline.
Comment: This sequence change replaces serine with threonine at codon 1272 of the SBF2 protein (p.Ser1272Thr). The serine residue is moderately conserved and there is a small physicochemical difference between serine and threonine. This variant is present in population databases (rs760386811, ExAC 0.001%). This variant has not been reported in the literature in individuals affected with SBF2-related conditions. Algorithms developed to predict the effect of missense changes on protein structure and function (SIFT, PolyPhen-2, Align-GVGD) all suggest that this variant is likely to be tolerated. In summary, the available evidence is currently insufficient to determine the role of this variant in disease. Therefore, it has been classified as a Variant of Uncertain Significance.

NM_030962.4(SBF2):c.3814T>A (p.Ser1272Thr)

Gene: SBF2 (SET binding factor 2; minus strand). Cytogenetic location: 11p15.4.
Variant type: single nucleotide variant.
Coding change: c.3814T>A on transcript NM_030962.4 (MANE Select); coding-DNA position 3814, T replaced by A.
Protein change: p.Ser1272Thr; replaces serine 1272 with threonine.
Molecular consequence: missense variant.
Genome position (GRCh38, 1-based): chr11:9,817,004, A>T on the plus strand (T>A on the coding strand, the complement: SBF2 is on the minus strand). VCF-style: chr11-9817004-A-T. GRCh37 (hg19) VCF-style: chr11-9838551-A-T.
Other names: c.3910T>A, p.Ser1304Thr (NM_001386339.1); c.3685T>A, p.Ser1229Thr (NM_001386342.1); short protein forms S1272T, S1229T, S1304T.
Identifiers: ClinVar variation 1016597 (VCV001016597.6), dbSNP rs760386811, ClinGen allele CA5881128.